The following is an entry in ClinVar:

ClinVar aggregate classification (germline): Uncertain significance (1 of 4 stars; one submission).

Conditions:
Multiple gastrointestinal atresias. Also called: Multiple intestinal atresia; FAMILIAL INTESTINAL POLYATRESIA SYNDROME. Identifiers: Orphanet 2300, MedGen C0220744, MONDO:0009465.

Allele frequency attached by ClinVar (database versions not stated): TOPMed 0.00001.
gnomAD v4.1: 18 of 1,614,198 alleles (0.0011%); highest among the groups gnomAD compares: Admixed American, 0.03%; no homozygotes.

Submission:

Labcorp Genetics (formerly Invitae), Labcorp
Classification: Uncertain significance for Multiple gastrointestinal atresias. Last evaluated: 2022-06-22. Review status: criteria provided, single submitter. Criteria: Invitae Variant Classification Sherloc (09022015). Collection method: clinical testing. Allele origin: germline.
Comment: This sequence change replaces valine, which is neutral and non-polar, with leucine, which is neutral and non-polar, at codon 133 of the TTC7A protein (p.Val133Leu). This variant is present in population databases (rs749546800, gnomAD 0.04%). This variant has not been reported in the literature in individuals affected with TTC7A-related conditions. ClinVar contains an entry for this variant (Variation ID: 939715). Algorithms developed to predict the effect of missense changes on protein structure and function output the following: SIFT: "Tolerated"; PolyPhen-2: "Benign"; Align-GVGD: "Class C0". The leucine amino acid residue is found in multiple mammalian species, which suggests that this missense change does not adversely affect protein function. In summary, the available evidence is currently insufficient to determine the role of this variant in disease. Therefore, it has been classified as a Variant of Uncertain Significance.

NM_020458.4(TTC7A):c.397G>C (p.Val133Leu)

Gene: TTC7A (tetratricopeptide repeat domain 7A; plus strand). Cytogenetic location: 2p21.
Variant type: single nucleotide variant.
Coding change: c.397G>C on transcript NM_020458.4 (MANE Select); coding-DNA position 397, G replaced by C.
Protein change: p.Val133Leu; replaces valine 133 with leucine.
Molecular consequence: missense variant. On other transcripts: 5 prime UTR variant (1).
Genome position (GRCh38, 1-based): chr2:46,956,887, G>C. VCF-style: chr2-46956887-G-C. GRCh37 (hg19) VCF-style: chr2-47184026-G-C.
Other names: c.397G>C, p.Val133Leu (NM_001288951.2); c.295G>C, p.Val99Leu (NM_001288953.2); c.-508G>C (NM_001288955.2); short protein forms V133L, V99L.
Identifiers: ClinVar variation 939715 (VCV000939715.5), dbSNP rs749546800, ClinGen allele CA1647144.